The following is an entry in ClinVar:

NM_000346.4(SOX9):c.1224_1251dup (p.Ile418fs)

Gene: SOX9 (SRY-box transcription factor 9; plus strand). Cytogenetic location: 17q24.3.
Variant type: Duplication.
Coding change: c.1224_1251dup on transcript NM_000346.4 (MANE Select); coding-DNA positions 1224 to 1251, 28 bases duplicated (CGAGCAGCAGCAGCACTCGCCCCAACAG).
Protein change: p.Ile418fs; shifts the reading frame from isoleucine 418.
Molecular consequence: frameshift variant.
Genome position (GRCh38, 1-based): chr17:72,124,081-72,124,108, CGAGCAGCAGCAGCACTCGCCCCAACAG duplicated; duplicating any 28 consecutive bases within chr17:72,124,077-72,124,108 gives the same sequence; the c. name uses the placement nearest the transcript's 3' end. VCF-style (leftmost placement, unchanged base first): chr17-72124076-T-TACAGCGAGCAGCAGCAGCACTCGCCCCA. GRCh37 (hg19) VCF-style: chr17-70120217-T-TACAGCGAGCAGCAGCAGCACTCGCCCCA.
Other names: short protein forms I418fs.
Identifiers: ClinVar variation 4725649 (VCV004725649.1).
Genomic context (GRCh38, chr17:72,124,076, plus strand): 5'-AGCGAGCCGGGCCAGTCCCAGCGAACGCACATCAAGACGGAGCAGCTGAGCCCCAGCCAC[T>TACAGCGAGCAGCAGCAGCACTCGCCCCA]ACAGCGAGCAGCAGCAGCACTCGCCCCAACAGATCGCCTACAGCCCCTTCAACCTCCCAC-3'

ClinVar aggregate classification (germline): Pathogenic (1 of 4 stars; one submission).

Conditions:
Camptomelic dysplasia (CMPD). Also called: CMPD1/SRA1; Campomelic Dysplasia. Identifiers: Orphanet 140, MedGen C1861922, MONDO:0007251, OMIM 114290.

Submission:

Labcorp Genetics (formerly Invitae), Labcorp
Classification: Pathogenic for Camptomelic dysplasia. Last evaluated: 2025-08-18. Review status: criteria provided, single submitter. Criteria: Invitae Variant Classification Sherloc (09022015). Collection method: clinical testing. Allele origin: germline.
Comment: This sequence change is expected to alter the c-terminus of the SOX9 protein (p.Ile418Argfs*169). While this is not anticipated to result in nonsense mediated decay, it is expected to disrupt the last 92 amino acid(s) of the SOX9 protein and extend the protein by 76 additional amino acid residues. This variant is not present in population databases (gnomAD no frequency). This variant has not been reported in the literature in individuals affected with SOX9-related conditions. This variant disrupts a region of the SOX9 protein in which other variant(s) (p.Tyr440*) have been determined to be pathogenic (PMID: 8001137, 9002675, 9452058). This suggests that this is a clinically significant region of the protein, and that variants that disrupt it are likely to be disease-causing. For these reasons, this variant has been classified as Pathogenic.

Literature cited by the submitters: PubMed 8001137; PubMed 9002675; PubMed 9452058.